The following is an entry in ClinVar:

NM_025103.4(IFT74):c.5C>T (p.Ala2Val)

Gene: IFT74 (intraflagellar transport 74; plus strand). Cytogenetic location: 9p21.2.
Variant type: single nucleotide variant.
Coding change: c.5C>T on transcript NM_025103.4 (MANE Select); coding-DNA position 5, C replaced by T.
Protein change: p.Ala2Val; replaces alanine 2 with valine.
Molecular consequence: missense variant.
Genome position (GRCh38, 1-based): chr9:26,961,972, C>T. VCF-style: chr9-26961972-C-T. GRCh37 (hg19) VCF-style: chr9-26961970-C-T.
Other names: c.5C>T, p.Ala2Val (NM_001099222.3, NM_001099223.3, NM_001099224.3 and 1 more transcripts); short protein forms A2V.
Identifiers: ClinVar variation 3347121 (VCV003347121.1).

ClinVar aggregate classification (germline): Uncertain significance (0 of 4 stars; one submission).

Conditions:
IFT74-related disorder. Also called: IFT74-related condition; IFT74-Related Disorders.

gnomAD v4.1: 4 of 1,613,914 alleles (0.00025%); highest among the groups gnomAD compares: Non-Finnish European, 0.00034%; no homozygotes.

Submission:

PreventionGenetics, part of Exact Sciences
Classification: Uncertain significance for IFT74-related condition. Last evaluated: 2024-06-08. Review status: no assertion criteria provided. Collection method: clinical testing. Allele origin: germline.
Comment: The IFT74 c.5C>T variant is predicted to result in the amino acid substitution p.Ala2Val. To our knowledge, this variant has not been reported in the literature or in a large population database, indicating this variant is rare. At this time, the clinical significance of this variant is uncertain due to the absence of conclusive functional and genetic evidence.